The following is an entry in ClinVar:

NM_001271.4(CHD2):c.881G>T (p.Gly294Val)

Gene: CHD2 (chromodomain helicase DNA binding protein 2; plus strand). Cytogenetic location: 15q26.1.
Variant type: single nucleotide variant.
Coding change: c.881G>T on transcript NM_001271.4 (MANE Select); coding-DNA position 881, G replaced by T.
Protein change: p.Gly294Val; replaces glycine 294 with valine.
Molecular consequence: missense variant.
Genome position (GRCh38, 1-based): chr15:92,942,897, G>T. VCF-style: chr15-92942897-G-T. GRCh37 (hg19) VCF-style: chr15-93486127-G-T.
Other names: c.881G>T, p.Gly294Val (NM_001042572.3); short protein forms G294V.
Identifiers: ClinVar variation 373737 (VCV000373737.12), dbSNP rs771390521, ClinGen allele CA7747656.

ClinVar aggregate classification (germline): Conflicting classifications of pathogenicity. Review status: criteria provided, conflicting classifications (1 of 4 stars). 3 submissions from 3 submitters: Uncertain significance (2); Likely benign (1). Last evaluated 2025-09-20.

Conditions:
Developmental and epileptic encephalopathy 94 (DEE94). Also called: CHD2-Related Neurodevelopmental Disorders; Epileptic encephalopathy, childhood-onset. Identifiers: Orphanet 1942, Orphanet 2382, MedGen C3809278, MONDO:0014150, OMIM 615369.

Allele frequency attached by ClinVar (database versions not stated): ExAC 0.00001; gnomAD exomes 0.00002 and 0.00005; TOPMed 0.00002; gnomAD 0.00003.
gnomAD v4.1: 74 of 1,613,882 alleles (0.0046%); highest among the groups gnomAD compares: Non-Finnish European, 0.0058%; no homozygotes.

Submissions (3):

Labcorp Genetics (formerly Invitae), Labcorp
Classification: Likely benign for Developmental and epileptic encephalopathy 94. Last evaluated: 2025-09-20. Review status: criteria provided, single submitter. Criteria: Invitae Variant Classification Sherloc (09022015). Collection method: clinical testing. Allele origin: germline.

Fulgent Genetics
Classification: Uncertain significance for Developmental and epileptic encephalopathy 94. Last evaluated: 2018-10-31. Review status: criteria provided, single submitter. Criteria: ACMG Guidelines, 2015. Collection method: clinical testing. Allele origin: unknown.

GeneDx
Classification: Uncertain significance. Last evaluated: 2016-12-12. Review status: criteria provided, single submitter. Criteria: GeneDx Variant Classification (06012015). Collection method: clinical testing. Allele origin: germline. Affected: yes.
Comment: A variant of uncertain significance has been identified in the CHD2 gene. The G294V variant has not been published as a pathogenic variant, nor has it been reported as a benign variant to our knowledge. The G294V variant is observed in 1/66,682 (0.002%) alleles from individuals of European background (Lek et al., 2016; 1000 Genomes Consortium et al., 2015; Exome Variant Server). The G294V variant is a conservative amino acid substitution, which is not likely to impact secondary protein structure as these residues share similar properties. Additionally, this substitution occurs at a position that is not conserved. In silico analysis is inconsistent in its predictions as to whether or not the variant is damaging to the protein structure/function. Based on the currently available information, it is unclear whether this variant is a pathogenic variant or a rare benign variant.